The following is an entry in ClinVar:

NM_000543.5(SMPD1):c.541C>A (p.Pro181Thr)

Gene: SMPD1 (sphingomyelin phosphodiesterase 1; plus strand). Cytogenetic location: 11p15.4.
Variant type: single nucleotide variant.
Coding change: c.541C>A on transcript NM_000543.5 (MANE Select); coding-DNA position 541, C replaced by A.
Protein change: p.Pro181Thr; replaces proline 181 with threonine.
Molecular consequence: missense variant. On other transcripts: 5 prime UTR variant (1), non-coding transcript variant (1).
Genome position (GRCh38, 1-based): chr11:6,391,606, C>A. VCF-style: chr11-6391606-C-A. GRCh37 (hg19) VCF-style: chr11-6412836-C-A.
Other names: c.538C>A, p.Pro180Thr (NM_001007593.3); c.541C>A, p.Pro181Thr (NM_001318087.2, NM_001365135.2); c.-421C>A (NM_001318088.2); short protein forms P180T, P181T.
Identifiers: ClinVar variation 1747419 (VCV001747419.2), dbSNP rs1341285917, ClinGen allele CA379369882.
Genomic context (GRCh38, chr11:6,391,606, plus strand): 5'-CTGCTCCTGGGCTCCACCTGTGGGCACTGGGACATTTTCTCATCTTGGAACATCTCTTTG[C>A]CTACTGTGCCGAAGCCGCCCCCCAAACCCCCTAGCCCCCCAGCCCCAGGTGCCCCTGTCA-3'
Protein context (NP_000534.3, residues 171-191): DIFSSWNISL[Pro181Thr]TVPKPPPKPP

ClinVar aggregate classification (germline): Uncertain significance (1 of 4 stars; one submission).

Conditions:
Inborn genetic diseases. Identifiers: MedGen C0950123, MeSH D030342.

Allele frequency attached by ClinVar (database versions not stated): TOPMed below 0.00001.
gnomAD v4.1: 4 of 1,596,878 alleles (0.00025%); highest among the groups gnomAD compares: Non-Finnish European, 0.00026%; no homozygotes.

Submission:

Ambry Genetics
Classification: Uncertain significance for Inborn genetic diseases. Last evaluated: 2021-07-27. Review status: criteria provided, single submitter. Criteria: Ambry Variant Classification Scheme 2023. Collection method: clinical testing. Allele origin: germline.
Comment: The p.P181T variant (also known as c.541C>A), located in coding exon 2 of the SMPD1 gene, results from a C to A substitution at nucleotide position 541. The proline at codon 181 is replaced by threonine, an amino acid with highly similar properties. This amino acid position is conserved. In addition, this alteration is predicted to be deleterious by in silico analysis. Since supporting evidence is limited at this time, the clinical significance of this alteration remains unclear.